The following is an entry in ClinVar:

NM_001166114.2(PNPLA6):c.1448C>T (p.Pro483Leu)

Gene: PNPLA6 (patatin like domain 6, lysophospholipase; plus strand). Cytogenetic location: 19p13.2.
Variant type: single nucleotide variant.
Coding change: c.1448C>T on transcript NM_001166114.2 (MANE Select); coding-DNA position 1448, C replaced by T.
Protein change: p.Pro483Leu; replaces proline 483 with leucine.
Molecular consequence: missense variant.
Genome position (GRCh38, 1-based): chr19:7,542,846, C>T. VCF-style: chr19-7542846-C-T. GRCh37 (hg19) VCF-style: chr19-7607732-C-T.
Other names: c.1475C>T, p.Pro492Leu (NM_001166111.2); c.1331C>T, p.Pro444Leu (NM_001166112.2, NM_001166113.1, NM_006702.5); short protein forms P444L, P483L, P492L.
Identifiers: ClinVar variation 1003550 (VCV001003550.8), dbSNP rs937353646, ClinGen allele CA304866784.

ClinVar aggregate classification (germline): Uncertain significance (1 of 4 stars; one submission).

Conditions:
Hereditary spastic paraplegia 39 (SPG39). Also called: Spastic Paraplegia Type 39 (SPG39); SPASTIC PARAPLEGIA 39, AUTOSOMAL RECESSIVE. Identifiers: Orphanet 139480, MedGen C2677586, MONDO:0012787, OMIM 612020.

Allele frequency attached by ClinVar (database versions not stated): TOPMed below 0.00001.
gnomAD v4.1: 3 of 1,612,998 alleles (0.00019%); highest among the groups gnomAD compares: Non-Finnish European, 0.00025%; no homozygotes.

Submission:

Labcorp Genetics (formerly Invitae), Labcorp
Classification: Uncertain significance for Hereditary spastic paraplegia 39. Last evaluated: 2020-06-08. Review status: criteria provided, single submitter. Criteria: Invitae Variant Classification Sherloc (09022015). Collection method: clinical testing. Allele origin: germline.
Comment: In summary, the available evidence is currently insufficient to determine the role of this variant in disease. Therefore, it has been classified as a Variant of Uncertain Significance. Algorithms developed to predict the effect of missense changes on protein structure and function output the following: SIFT: "Tolerated"; PolyPhen-2: "Benign"; Align-GVGD: "Class C0". The leucine amino acid residue is found in multiple mammalian species, suggesting that this missense change does not adversely affect protein function. These predictions have not been confirmed by published functional studies and their clinical significance is uncertain. This variant has not been reported in the literature in individuals with PNPLA6-related conditions. This variant is not present in population databases (ExAC no frequency). This sequence change replaces proline with leucine at codon 444 of the PNPLA6 protein (p.Pro444Leu). The proline residue is moderately conserved and there is a moderate physicochemical difference between proline and leucine.